The following is an entry in ClinVar:

ClinVar aggregate classification (germline): Uncertain significance. Review status: criteria provided, multiple submitters, no conflicts (2 of 4 stars). 6 submissions from 6 submitters: Uncertain significance (6). Last evaluated 2025-01-06.

Conditions:
PALB2-related disorder. Also called: PALB2-related condition; PALB2-related disorders.
Hereditary cancer-predisposing syndrome. Also called: Tumor predisposition; Hereditary neoplastic syndrome; Neoplastic Syndromes, Hereditary; Hereditary Cancer Syndrome. Identifiers: Orphanet 140162, MedGen C0027672, MeSH D009386, MONDO:0015356.
Familial cancer of breast. Also called: Hereditary breast cancer; hereditary breast carcinoma; BREAST CANCER, FAMILIAL. Identifiers: Orphanet 227535, MedGen C0346153, MONDO:0016419, OMIM 114480. Disease mechanism: loss of function.

Allele frequency attached by ClinVar (database versions not stated): gnomAD exomes below 0.00001; ExAC 0.00001; gnomAD 0.00001; TOPMed 0.00001.

Submissions (6):

PreventionGenetics, part of Exact Sciences
Classification: Uncertain significance for PALB2-related condition. Last evaluated: 2025-01-06. Review status: criteria provided, single submitter. Criteria: ACMG Guidelines, 2015. Collection method: clinical testing. Allele origin: germline.
Comment: The PALB2 c.3317T>C variant is predicted to result in the amino acid substitution p.Met1106Thr. To our knowledge, this variant has not been reported in the literature. This variant is reported in 0.0062% of alleles in individuals of African descent in gnomAD and is listed in ClinVar as a variant of uncertain significance. At this time, the clinical significance of this variant is uncertain due to the absence of conclusive functional and genetic evidence.

Labcorp Genetics (formerly Invitae), Labcorp
Classification: Uncertain significance for Familial cancer of breast. Last evaluated: 2024-08-21. Review status: criteria provided, single submitter. Criteria: Invitae Variant Classification Sherloc (09022015). Collection method: clinical testing. Allele origin: germline.
Comment: This sequence change replaces methionine, which is neutral and non-polar, with threonine, which is neutral and polar, at codon 1106 of the PALB2 protein (p.Met1106Thr). This variant is present in population databases (rs769065406, gnomAD 0.007%). This variant has not been reported in the literature in individuals affected with PALB2-related conditions. ClinVar contains an entry for this variant (Variation ID: 460989). An algorithm developed to predict the effect of missense changes on protein structure and function (PolyPhen-2) suggests that this variant is likely to be tolerated. In summary, the available evidence is currently insufficient to determine the role of this variant in disease. Therefore, it has been classified as a Variant of Uncertain Significance.

Ambry Genetics
Classification: Uncertain significance for Hereditary cancer-predisposing syndrome. Last evaluated: 2024-08-12. Review status: criteria provided, single submitter. Criteria: Ambry Variant Classification Scheme 2023. Collection method: clinical testing. Allele origin: germline.
Comment: The p.M1106T variant (also known as c.3317T>C), located in coding exon 12 of the PALB2 gene, results from a T to C substitution at nucleotide position 3317. The methionine at codon 1106 is replaced by threonine, an amino acid with similar properties. This amino acid position is not well conserved in available vertebrate species. In addition, this alteration is predicted to be tolerated by in silico analysis. Since supporting evidence is limited at this time, the clinical significance of this alteration remains unclear.

Baylor Genetics
Classification: Uncertain significance for Familial cancer of breast. Last evaluated: 2024-03-08. Review status: criteria provided, single submitter. Criteria: ACMG Guidelines, 2015. Collection method: clinical testing. Allele origin: unknown.

Color Diagnostics, LLC DBA Color Health
Classification: Uncertain significance for Hereditary cancer-predisposing syndrome. Last evaluated: 2023-12-04. Review status: criteria provided, single submitter. Criteria: ACMG Guidelines, 2015. Collection method: clinical testing. Allele origin: germline.
Comment: This missense variant replaces methionine with threonine at codon 1106 of the PALB2 protein. Computational prediction suggests that this variant may not impact protein structure and function (internally defined REVEL score threshold <= 0.5, PMID: 27666373). To our knowledge, functional studies have not been reported for this variant. This variant has not been reported in individuals affected with PALB2-related disorders in the literature. This variant has been identified in 1/251480 chromosomes in the general population by the Genome Aggregation Database (gnomAD). The available evidence is insufficient to determine the role of this variant in disease conclusively. Therefore, this variant is classified as a Variant of Uncertain Significance.

GeneDx
Classification: Uncertain significance. Last evaluated: 2019-09-18. Review status: criteria provided, single submitter. Criteria: GeneDx Variant Classification Process June 2021. Collection method: clinical testing. Allele origin: germline. Affected: yes.
Comment: Has not been previously published as pathogenic or benign to our knowledge; In silico analysis, which includes protein predictors and evolutionary conservation, supports a deleterious effect

NM_024675.4(PALB2):c.3317T>C (p.Met1106Thr)

Gene: PALB2 (partner and localizer of BRCA2; minus strand). Cytogenetic location: 16p12.2.
Variant type: single nucleotide variant.
Coding change: c.3317T>C on transcript NM_024675.4 (MANE Select); coding-DNA position 3317, T replaced by C.
Protein change: p.Met1106Thr; replaces methionine 1106 with threonine.
Molecular consequence: missense variant.
Genome position (GRCh38, 1-based): chr16:23,607,897, A>G on the plus strand (T>C on the coding strand, the complement: PALB2 is on the minus strand). VCF-style: chr16-23607897-A-G. GRCh37 (hg19) VCF-style: chr16-23619218-A-G.
Other names: short protein forms M1106T.
Identifiers: ClinVar variation 460989 (VCV000460989.21), dbSNP rs769065406, ClinGen allele CA7963385.